The following is an entry in ClinVar:

ClinVar aggregate classification (germline): Uncertain significance. Review status: criteria provided, multiple submitters, no conflicts (2 of 4 stars). 2 submissions from 2 submitters: Uncertain significance (2). Last evaluated 2023-12-16.

Conditions:
Inborn genetic diseases. Identifiers: MedGen C0950123, MeSH D030342.

Allele frequency attached by ClinVar (database versions not stated): gnomAD exomes below 0.00001; gnomAD 0.00001.
gnomAD v4.1: 5 of 1,613,638 alleles (0.00031%); highest among the groups gnomAD compares: African/African-American, 0.0013%; no homozygotes.

Submissions (2):

Ambry Genetics
Classification: Uncertain significance for Inborn genetic diseases. Last evaluated: 2023-12-16. Review status: criteria provided, single submitter. Criteria: Ambry Variant Classification Scheme 2023. Collection method: clinical testing. Allele origin: germline.

Labcorp Genetics (formerly Invitae), Labcorp
Classification: Uncertain significance. Last evaluated: 2022-06-21. Review status: criteria provided, single submitter. Criteria: Invitae Variant Classification Sherloc (09022015). Collection method: clinical testing. Allele origin: germline.
Comment: This sequence change replaces threonine, which is neutral and polar, with methionine, which is neutral and non-polar, at codon 1576 of the CACNA1D protein (p.Thr1576Met). This variant is not present in population databases (gnomAD no frequency). This variant has not been reported in the literature in individuals affected with CACNA1D-related conditions. Algorithms developed to predict the effect of missense changes on protein structure and function are either unavailable or do not agree on the potential impact of this missense change (SIFT: "Tolerated"; PolyPhen-2: "Probably Damaging"; Align-GVGD: "Class C0"). In summary, the available evidence is currently insufficient to determine the role of this variant in disease. Therefore, it has been classified as a Variant of Uncertain Significance.

NM_001128840.3(CACNA1D):c.4667C>T (p.Thr1556Met)

Gene: CACNA1D (calcium voltage-gated channel subunit alpha1 D; plus strand). Cytogenetic location: 3p21.1.
Variant type: single nucleotide variant.
Coding change: c.4667C>T on transcript NM_001128840.3 (MANE Select); coding-DNA position 4667, C replaced by T.
Protein change: p.Thr1556Met; replaces threonine 1556 with methionine.
Molecular consequence: missense variant.
Genome position (GRCh38, 1-based): chr3:53,780,105, C>T. VCF-style: chr3-53780105-C-T. GRCh37 (hg19) VCF-style: chr3-53814132-C-T.
Other names: c.4727C>T, p.Thr1576Met (NM_000720.4); c.4622C>T, p.Thr1541Met (NM_001128839.3); c.4727C>T (NM_000720.2); short protein forms T1541M, T1556M, T1576M.
Identifiers: ClinVar variation 1967811 (VCV001967811.6), dbSNP rs2095418003, ClinGen allele CA353244930.